The following is an entry in ClinVar:

NM_001364905.1(LRBA):c.6281A>G (p.Tyr2094Cys)

Gene: LRBA (LPS responsive beige-like anchor protein; minus strand). Cytogenetic location: 4q31.3.
Variant type: single nucleotide variant.
Coding change: c.6281A>G on transcript NM_001364905.1 (MANE Select); coding-DNA position 6281, A replaced by G.
Protein change: p.Tyr2094Cys; replaces tyrosine 2094 with cysteine.
Molecular consequence: missense variant.
Genome position (GRCh38, 1-based): chr4:150,588,097, T>C on the plus strand (A>G on the coding strand, the complement: LRBA is on the minus strand). VCF-style: chr4-150588097-T-C. GRCh37 (hg19) VCF-style: chr4-151509249-T-C.
Other names: c.6281A>G, p.Tyr2094Cys (NM_001199282.3, NM_001367550.1); c.6314A>G, p.Tyr2105Cys (NM_006726.5); short protein forms Y2105C, Y2094C.
Identifiers: ClinVar variation 1358502 (VCV001358502.6), dbSNP rs768151580, ClinGen allele CA3102159.
Genomic context (GRCh38, chr4:150,588,097, plus strand): 5'-CATCTTCTCACCTTGGGGTCGATTTTTTTGAAGTTAGGATCCTCTTCATCCACCTCAAAA[T>C]AGAGTTCGGAGGAGGTGACAGAAAGAGTGCCCTTTACTACAACAGAGGGGGCCACAAGCT-3'
Protein context (NP_001351834.1, residues 2084-2104): GTLSVTSSEL[Tyr2094Cys]FEVDEEDPNF

ClinVar aggregate classification (germline): Uncertain significance (1 of 4 stars; one submission).

Conditions:
Combined immunodeficiency due to LRBA deficiency. Also called: Common variable immunodeficiency 8, with autoimmunity. Identifiers: Orphanet 445018, MedGen C3553512, MONDO:0013863, OMIM 614700.

Allele frequency attached by ClinVar (database versions not stated): gnomAD exomes 0.00001 and 0.00004; TOPMed 0.00003; ExAC 0.00006.
gnomAD v4.1: 11 of 1,611,418 alleles (0.00068%); highest among the groups gnomAD compares: East Asian, 0.018%; no homozygotes.

Submission:

Labcorp Genetics (formerly Invitae), Labcorp
Classification: Uncertain significance for Combined immunodeficiency due to LRBA deficiency. Last evaluated: 2022-06-22. Review status: criteria provided, single submitter. Criteria: Invitae Variant Classification Sherloc (09022015). Collection method: clinical testing. Allele origin: germline.
Comment: Algorithms developed to predict the effect of missense changes on protein structure and function are either unavailable or do not agree on the potential impact of this missense change (SIFT: "Deleterious"; PolyPhen-2: "Benign"; Align-GVGD: "Class C0"). In summary, the available evidence is currently insufficient to determine the role of this variant in disease. Therefore, it has been classified as a Variant of Uncertain Significance. This variant has not been reported in the literature in individuals affected with LRBA-related conditions. This variant is present in population databases (rs768151580, gnomAD 0.06%). This sequence change replaces tyrosine, which is neutral and polar, with cysteine, which is neutral and slightly polar, at codon 2105 of the LRBA protein (p.Tyr2105Cys).